The following is an entry in ClinVar:

NM_003737.4(DCHS1):c.6232C>T (p.Arg2078Cys)

Gene: DCHS1 (dachsous cadherin-related 1; minus strand). Cytogenetic location: 11p15.4.
Variant type: single nucleotide variant.
Coding change: c.6232C>T on transcript NM_003737.4 (MANE Select); coding-DNA position 6232, C replaced by T.
Protein change: p.Arg2078Cys; replaces arginine 2078 with cysteine.
Molecular consequence: missense variant.
Genome position (GRCh38, 1-based): chr11:6,626,807, G>A on the plus strand (C>T on the coding strand, the complement: DCHS1 is on the minus strand). VCF-style: chr11-6626807-G-A. GRCh37 (hg19) VCF-style: chr11-6648038-G-A.
Other names: c.6232C>T (NM_003737.2); short protein forms R2078C.
Identifiers: ClinVar variation 1311498 (VCV001311498.7), dbSNP rs367654026, ClinGen allele CA5859930.

ClinVar aggregate classification (germline): Uncertain significance. Review status: criteria provided, multiple submitters, no conflicts (2 of 4 stars). 3 submissions from 3 submitters: Uncertain significance (3). Last evaluated 2025-07-20.

Conditions:
Inborn genetic diseases. Identifiers: MedGen C0950123, MeSH D030342.

Allele frequency attached by ClinVar (database versions not stated): gnomAD 0.00004; TOPMed 0.00004; 1000 Genomes Project 30x 0.00016; 1000 Genomes Project 0.00020; ESP Exome Variant Server 0.00023.
gnomAD v4.1: 95 of 1,612,354 alleles (0.0059%); highest among the groups gnomAD compares: East Asian, 0.0089%; no homozygotes.

Submissions (3):

Labcorp Genetics (formerly Invitae), Labcorp
Classification: Uncertain significance. Last evaluated: 2025-07-20. Review status: criteria provided, single submitter. Criteria: Invitae Variant Classification Sherloc (09022015). Collection method: clinical testing. Allele origin: germline.
Comment: This sequence change replaces arginine, which is basic and polar, with cysteine, which is neutral and slightly polar, at codon 2078 of the DCHS1 protein (p.Arg2078Cys). This variant is present in population databases (rs367654026, gnomAD 0.01%). This variant has not been reported in the literature in individuals affected with DCHS1-related conditions. ClinVar contains an entry for this variant (Variation ID: 1311498). Invitae Evidence Modeling of protein sequence and biophysical properties (such as structural, functional, and spatial information, amino acid conservation, physicochemical variation, residue mobility, and thermodynamic stability) indicates that this missense variant is not expected to disrupt DCHS1 protein function with a negative predictive value of 80%. In summary, the available evidence is currently insufficient to determine the role of this variant in disease. Therefore, it has been classified as a Variant of Uncertain Significance.

Ambry Genetics
Classification: Uncertain significance for Inborn genetic diseases. Last evaluated: 2025-03-18. Review status: criteria provided, single submitter. Criteria: Ambry Variant Classification Scheme 2023. Collection method: clinical testing. Allele origin: germline.

GeneDx
Classification: Uncertain significance. Last evaluated: 2023-10-11. Review status: criteria provided, single submitter. Criteria: GeneDx Variant Classification Process June 2021. Collection method: clinical testing. Allele origin: germline. Affected: yes.
Comment: Has not been previously published as pathogenic or benign to our knowledge; In silico analysis supports that this missense variant has a deleterious effect on protein structure/function